The following is an entry in ClinVar:

ClinVar aggregate classification (germline): Uncertain significance (1 of 4 stars; one submission).

Conditions:
Hereditary spastic paraplegia 72 (SPG72A). Also called: Spastic paraplegia 72, autosomal recessive. Identifiers: Orphanet 401849, MedGen C5882669, MONDO:0014282, OMIM 615625.

Submission:

Center for Human Genetics and Genomic Medicine, Uniklinik Rwth Aachen
Classification: Uncertain significance for Hereditary spastic paraplegia 72. Last evaluated: 2021-07-12. Review status: criteria provided, single submitter. Criteria: ACMG Guidelines, 2015. Collection method: clinical testing. Allele origin: germline. Inheritance: Autosomal dominant inheritance. Affected: yes. Observed: 1 variant allele, 1 heterozygote.
Comment: The variant is absent from databases and has not been reported in the literature. We have classified it as a "Variant of uncertain significance".

NM_001271803.2(REEP2):c.125G>C (p.Trp42Ser)

Gene: REEP2 (receptor accessory protein 2; plus strand). Cytogenetic location: 5q31.2.
Variant type: single nucleotide variant.
Coding change: c.125G>C on transcript NM_001271803.2 (MANE Select); coding-DNA position 125, G replaced by C.
Protein change: p.Trp42Ser; replaces tryptophan 42 with serine.
Molecular consequence: missense variant. On other transcripts: non-coding transcript variant (2).
Genome position (GRCh38, 1-based): chr5:138,441,404, G>C. VCF-style: chr5-138441404-G-C. GRCh37 (hg19) VCF-style: chr5-137777093-G-C.
Other names: c.125G>C, p.Trp42Ser (NM_016606.4); short protein forms W42S.
Identifiers: ClinVar variation 1180501 (VCV001180501.3), dbSNP rs2127022139, ClinGen allele CA361101378.
Genomic context (GRCh38, chr5:138,441,404, plus strand): 5'-TCAGCCCCGTGCCCCAGCCAGCGCTTCCCTCTGTCCCTCAGGTGAAATGGATGATGTACT[G>C]GATCGTCTTTGCCTTCTTCACCACGGCCGAGACGCTCACGGATATAGTGCTCTCCTGGTG-3'
Protein context (NP_001258732.1, residues 32-52): VKEYVKWMMY[Trp42Ser]IVFAFFTTAE